The following is an entry in ClinVar:

ClinVar aggregate classification (germline): Uncertain significance (1 of 4 stars; one submission).

Conditions:
Dyskeratosis congenita, autosomal dominant 2. Identifiers: MedGen C3151443, MONDO:0013521, OMIM 613989.
Idiopathic Pulmonary Fibrosis. Also called: Idiopathic fibrosing alveolitis, chronic form; idiopathic fibrosing alveolitis. Identifiers: Orphanet 2032, MedGen C1800706, MeSH D054990, MONDO:0800504.

Submission:

Labcorp Genetics (formerly Invitae), Labcorp
Classification: Uncertain significance for Dyskeratosis congenita, autosomal dominant 2; Idiopathic Pulmonary Fibrosis. Last evaluated: 2024-07-17. Review status: criteria provided, single submitter. Criteria: Invitae Variant Classification Sherloc (09022015). Collection method: clinical testing. Allele origin: germline.
Comment: This sequence change replaces arginine, which is basic and polar, with cysteine, which is neutral and slightly polar, at codon 108 of the TERT protein (p.Arg108Cys). This variant is not present in population databases (gnomAD no frequency). This variant has not been reported in the literature in individuals affected with TERT-related conditions. An algorithm developed to predict the effect of missense changes on protein structure and function outputs the following: PolyPhen-2: "Benign". The cysteine amino acid residue is found in multiple mammalian species, which suggests that this missense change does not adversely affect protein function. In summary, the available evidence is currently insufficient to determine the role of this variant in disease. Therefore, it has been classified as a Variant of Uncertain Significance.

NM_198253.3(TERT):c.322C>T (p.Arg108Cys)

Gene: TERT (telomerase reverse transcriptase; minus strand). Cytogenetic location: 5p15.33.
Variant type: single nucleotide variant.
Coding change: c.322C>T on transcript NM_198253.3 (MANE Select); coding-DNA position 322, C replaced by T.
Protein change: p.Arg108Cys; replaces arginine 108 with cysteine.
Molecular consequence: missense variant. On other transcripts: non-coding transcript variant (2).
Genome position (GRCh38, 1-based): chr5:1,294,564, G>A on the plus strand (C>T on the coding strand, the complement: TERT is on the minus strand). VCF-style: chr5-1294564-G-A. GRCh37 (hg19) VCF-style: chr5-1294679-G-A.
Other names: c.322C>T, p.Arg108Cys (NM_001193376.3); short protein forms R108C.
Identifiers: ClinVar variation 3757282 (VCV003757282.2).